The following is an entry in ClinVar:

NM_031935.3(HMCN1):c.9805A>G (p.Asn3269Asp)

Gene: HMCN1 (hemicentin 1; plus strand). Cytogenetic location: 1q31.1.
Variant type: single nucleotide variant.
Coding change: c.9805A>G on transcript NM_031935.3 (MANE Select); coding-DNA position 9805, A replaced by G.
Protein change: p.Asn3269Asp; replaces asparagine 3269 with aspartic acid.
Molecular consequence: missense variant.
Genome position (GRCh38, 1-based): chr1:186,090,835, A>G. VCF-style: chr1-186090835-A-G. GRCh37 (hg19) VCF-style: chr1-186059967-A-G.
Other names: short protein forms N3269D.
Identifiers: ClinVar variation 4747948 (VCV004747948.1).

ClinVar aggregate classification (germline): Uncertain significance (1 of 4 stars; one submission).

gnomAD v4.1: 1 of 1,612,692 alleles (0.000062%); highest among the groups gnomAD compares: Non-Finnish European, 0.000085%; no homozygotes.

Submission:

Labcorp Genetics (formerly Invitae), Labcorp
Classification: Uncertain significance. Last evaluated: 2025-11-15. Review status: criteria provided, single submitter. Criteria: Invitae Variant Classification Sherloc (09022015). Collection method: clinical testing. Allele origin: germline.
Comment: This sequence change replaces asparagine, which is neutral and polar, with aspartic acid, which is acidic and polar, at codon 3269 of the HMCN1 protein (p.Asn3269Asp). This variant is present in population databases (rs773603615, gnomAD 0.0009%). This variant has not been reported in the literature in individuals affected with HMCN1-related conditions. An algorithm developed to predict the effect of missense changes on protein structure and function outputs the following: PolyPhen-2: "Benign". The aspartic acid amino acid residue is found in multiple mammalian species, which suggests that this missense change does not adversely affect protein function. In summary, the available evidence is currently insufficient to determine the role of this variant in disease. Therefore, it has been classified as a Variant of Uncertain Significance.